The following is an entry in ClinVar:

NM_000186.4(CFH):c.331G>C (p.Val111Leu)

Gene: CFH (complement factor H; plus strand). Cytogenetic location: 1q31.3.
Variant type: single nucleotide variant.
Coding change: c.331G>C on transcript NM_000186.4 (MANE Select); coding-DNA position 331, G replaced by C.
Protein change: p.Val111Leu; replaces valine 111 with leucine.
Molecular consequence: missense variant.
Genome position (GRCh38, 1-based): chr1:196,673,943, G>C. VCF-style: chr1-196673943-G-C. GRCh37 (hg19) VCF-style: chr1-196643073-G-C.
Other names: c.331G>C, p.Val111Leu (NM_001014975.3); short protein forms V111L.
Identifiers: ClinVar variation 3678988 (VCV003678988.3).

ClinVar aggregate classification (germline): Uncertain significance. Review status: criteria provided, multiple submitters, no conflicts (2 of 4 stars). 2 submissions from 2 submitters: Uncertain significance (2). Last evaluated 2024-03-07.

gnomAD v4.1: 1 of 1,611,586 alleles (0.000062%); highest among the groups gnomAD compares: Non-Finnish European, 0.000085%; no homozygotes.

Submissions (2):

Labcorp Genetics (formerly Invitae), Labcorp
Classification: Uncertain significance. Last evaluated: 2024-03-07. Review status: criteria provided, single submitter. Criteria: Invitae Variant Classification Sherloc (09022015). Collection method: clinical testing. Allele origin: germline.
Comment: This sequence change replaces valine, which is neutral and non-polar, with leucine, which is neutral and non-polar, at codon 111 of the CFH protein (p.Val111Leu). This variant is not present in population databases (gnomAD no frequency). This variant has not been reported in the literature in individuals affected with CFH-related conditions. An algorithm developed to predict the effect of missense changes on protein structure and function (PolyPhen-2) suggests that this variant is likely to be disruptive. In summary, the available evidence is currently insufficient to determine the role of this variant in disease. Therefore, it has been classified as a Variant of Uncertain Significance.

Blueprint Genetics
Classification: Uncertain significance. Last evaluated: 2023-11-08. Review status: criteria provided, single submitter. Criteria: ACMG Guidelines, 2015. Collection method: clinical testing. Allele origin: germline.